The following is an entry in ClinVar:

ClinVar aggregate classification (germline): Uncertain significance (1 of 4 stars; one submission).

Conditions:
Peroxisome biogenesis disorder. Identifiers: Orphanet 79189, MedGen C1832200, MONDO:0019234. Disease mechanism: loss of function.

Allele frequency attached by ClinVar (database versions not stated): gnomAD exomes below 0.00001.
gnomAD v4.1: 2 of 1,604,016 alleles (0.00012%); highest among the groups gnomAD compares: Non-Finnish European, 0.00017%; no homozygotes.

Submission:

Labcorp Genetics (formerly Invitae), Labcorp
Classification: Uncertain significance for Peroxisome biogenesis disorder. Last evaluated: 2022-03-20. Review status: criteria provided, single submitter. Criteria: Invitae Variant Classification Sherloc (09022015). Collection method: clinical testing. Allele origin: germline.
Comment: This sequence change replaces valine, which is neutral and non-polar, with alanine, which is neutral and non-polar, at codon 570 of the PEX6 protein (p.Val570Ala). This variant is not present in population databases (gnomAD no frequency). This variant has not been reported in the literature in individuals affected with PEX6-related conditions. Algorithms developed to predict the effect of missense changes on protein structure and function are either unavailable or do not agree on the potential impact of this missense change (SIFT: "Deleterious"; PolyPhen-2: "Possibly Damaging"; Align-GVGD: "Class C0"). In summary, the available evidence is currently insufficient to determine the role of this variant in disease. Therefore, it has been classified as a Variant of Uncertain Significance.

NM_000287.4(PEX6):c.1709T>C (p.Val570Ala)

Gene: PEX6 (peroxisomal biogenesis factor 6; minus strand). Cytogenetic location: 6p21.1.
Variant type: single nucleotide variant.
Coding change: c.1709T>C on transcript NM_000287.4 (MANE Select); coding-DNA position 1709, T replaced by C.
Protein change: p.Val570Ala; replaces valine 570 with alanine.
Molecular consequence: missense variant. On other transcripts: non-coding transcript variant (1).
Genome position (GRCh38, 1-based): chr6:42,967,543, A>G on the plus strand (T>C on the coding strand, the complement: PEX6 is on the minus strand). VCF-style: chr6-42967543-A-G. GRCh37 (hg19) VCF-style: chr6-42935281-A-G.
Other names: c.1445T>C, p.Val482Ala (NM_001316313.2); short protein forms V482A, V570A.
Identifiers: ClinVar variation 2111691 (VCV002111691.1), dbSNP rs1005310416, ClinGen allele CA138224710.
Genomic context (GRCh38, chr6:42,967,543, plus strand): 5'-TCATGAGGAAATGCTGTCTGCACATCAGCAGGCAGGTCCTGGGCCCGGCTTGTGGTGGCC[A>G]CAACCATGAGGGGAGGGCAGCTGCAGACAGAGGAGTGGGCACTGAGGGTGAGAACATGGC-3'
Protein context (NP_000278.3, residues 560-580): PLNSCPPLMV[Val570Ala]ATTSRAQDLP